The following is an entry in ClinVar:

ClinVar aggregate classification (germline): Uncertain significance (1 of 4 stars; one submission).

gnomAD v4.1: 2 of 1,614,218 alleles (0.00012%); highest among the groups gnomAD compares: Non-Finnish European, 0.00017%; no homozygotes.

Submission:

Dasa
Classification: Uncertain significance. Last evaluated: 2026-03-31. Review status: criteria provided, single submitter. Criteria: DASA Assertion Criteria. Collection method: clinical testing. Allele origin: germline.
Comment: NM_001429.4(EP300):c.4703A>G (p.Lys1568Arg) is a missense variant that results in the substitution of lysine with arginine. This variant is rare in population databases. Computational prediction algorithms are consistent with a deleterious effect. The currently available literature and clinical evidence are not sufficient to establish a definitive association between this variant and the reported condition. Therefore, this variant is classified as a variant of uncertain significance.

NM_001429.4(EP300):c.4703A>G (p.Lys1568Arg)

Gene: EP300 (EP300 lysine acetyltransferase; plus strand). Cytogenetic location: 22q13.2.
Variant type: single nucleotide variant.
Coding change: c.4703A>G on transcript NM_001429.4 (MANE Select); coding-DNA position 4703, A replaced by G.
Protein change: p.Lys1568Arg; replaces lysine 1568 with arginine.
Molecular consequence: missense variant.
Genome position (GRCh38, 1-based): chr22:41,173,708, A>G. VCF-style: chr22-41173708-A-G. GRCh37 (hg19) VCF-style: chr22-41569712-A-G.
Other names: c.4625A>G, p.Lys1542Arg (NM_001362843.2); short protein forms K1542R, K1568R.
Identifiers: ClinVar variation 4883815 (VCV004883815.2).